The following is an entry in ClinVar:

NM_001042681.2(RERE):c.3309G>T (p.Glu1103Asp)

Gene: RERE (arginine-glutamic acid dipeptide repeats; minus strand). Cytogenetic location: 1p36.23.
Variant type: single nucleotide variant.
Coding change: c.3309G>T on transcript NM_001042681.2 (MANE Select); coding-DNA position 3309, G replaced by T.
Protein change: p.Glu1103Asp; replaces glutamic acid 1103 with aspartic acid.
Molecular consequence: missense variant.
Genome position (GRCh38, 1-based): chr1:8,360,198, C>A on the plus strand (G>T on the coding strand, the complement: RERE is on the minus strand). VCF-style: chr1-8360198-C-A. GRCh37 (hg19) VCF-style: chr1-8420258-C-A.
Other names: c.1647G>T, p.Glu549Asp (NM_001042682.2); c.3309G>T, p.Glu1103Asp (NM_012102.4); short protein forms E1103D, E549D.
Identifiers: ClinVar variation 3375849 (VCV003375849.1).

ClinVar aggregate classification (germline): Uncertain significance (1 of 4 stars; one submission).

Submission:

GeneDx
Classification: Uncertain significance. Last evaluated: 2024-05-08. Review status: criteria provided, single submitter. Criteria: GeneDx Variant Classification Process June 2021. Collection method: clinical testing. Allele origin: germline. Affected: yes.
Comment: Not observed at significant frequency in large population cohorts (gnomAD); In silico analysis indicates that this missense variant does not alter protein structure/function; Has not been previously published as pathogenic or benign to our knowledge